The following is an entry in ClinVar:

NM_024675.4(PALB2):c.2554C>T (p.Pro852Ser)

Gene: PALB2 (partner and localizer of BRCA2; minus strand). Cytogenetic location: 16p12.2.
Variant type: single nucleotide variant.
Coding change: c.2554C>T on transcript NM_024675.4 (MANE Select); coding-DNA position 2554, C replaced by T.
Protein change: p.Pro852Ser; replaces proline 852 with serine.
Molecular consequence: missense variant.
Genome position (GRCh38, 1-based): chr16:23,629,236, G>A on the plus strand (C>T on the coding strand, the complement: PALB2 is on the minus strand). VCF-style: chr16-23629236-G-A. GRCh37 (hg19) VCF-style: chr16-23640557-G-A.
Other names: c.2494C>T, p.Pro832Ser (NM_001407296.1); c.2554C>T, p.Pro852Ser (NM_001407298.1, NM_001407299.1, NM_001407300.1 and 2 more transcripts); c.1669C>T, p.Pro557Ser (NM_001407304.1, NM_001407305.1, NM_001407306.1 and 5 more transcripts); c.766C>T, p.Pro256Ser (NM_001407312.1, NM_001407313.1); c.88C>T, p.Pro30Ser (NM_001407314.1); short protein forms P852S, P30S, P832S, P256S, P557S.
Identifiers: ClinVar variation 2161733 (VCV002161733.6), dbSNP rs1457487266, ClinGen allele CA395123758.

ClinVar aggregate classification (germline): Uncertain significance. Review status: criteria provided, multiple submitters, no conflicts (2 of 4 stars). 2 submissions from 2 submitters: Uncertain significance (2). Last evaluated 2026-03-03.

Conditions:
Hereditary cancer-predisposing syndrome. Also called: Hereditary neoplastic syndrome; Neoplastic Syndromes, Hereditary; Tumor predisposition; Hereditary Cancer Syndrome. Identifiers: Orphanet 140162, MedGen C0027672, MeSH D009386, MONDO:0015356.
Familial cancer of breast. Also called: BREAST CANCER, FAMILIAL; Hereditary breast cancer; hereditary breast carcinoma. Identifiers: Orphanet 227535, MedGen C0346153, MONDO:0016419, OMIM 114480. Disease mechanism: loss of function.

Allele frequency attached by ClinVar (database versions not stated): TOPMed below 0.00001.

Submissions (2):

Ambry Genetics
Classification: Uncertain significance for Hereditary cancer-predisposing syndrome. Last evaluated: 2026-03-03. Review status: criteria provided, single submitter. Criteria: Ambry Variant Classification Scheme 2023. Collection method: clinical testing. Allele origin: germline.

Labcorp Genetics (formerly Invitae), Labcorp
Classification: Uncertain significance for Familial cancer of breast. Last evaluated: 2025-07-17. Review status: criteria provided, single submitter. Criteria: Invitae Variant Classification Sherloc (09022015). Collection method: clinical testing. Allele origin: germline.
Comment: This sequence change replaces proline, which is neutral and non-polar, with serine, which is neutral and polar, at codon 852 of the PALB2 protein (p.Pro852Ser). This variant is not present in population databases (gnomAD no frequency). This variant has not been reported in the literature in individuals affected with PALB2-related conditions. ClinVar contains an entry for this variant (Variation ID: 2161733). Invitae Evidence Modeling of protein sequence and biophysical properties (such as structural, functional, and spatial information, amino acid conservation, physicochemical variation, residue mobility, and thermodynamic stability) indicates that this missense variant is not expected to disrupt PALB2 protein function with a negative predictive value of 80%. In summary, the available evidence is currently insufficient to determine the role of this variant in disease. Therefore, it has been classified as a Variant of Uncertain Significance.